The following is an entry in ClinVar:

NM_016026.4(RDH11):c.950T>C (p.Ile317Thr)

Genes: GPHN (gephyrin; plus strand), RDH11 (retinol dehydrogenase 11; minus strand). Cytogenetic location: 14q24.1.
Variant type: single nucleotide variant.
Coding change: c.950T>C on transcript NM_016026.4 (MANE Select); coding-DNA position 950, T replaced by C.
Protein change: p.Ile317Thr; replaces isoleucine 317 with threonine.
Molecular consequence: missense variant.
Genome position (GRCh38, 1-based): chr14:67,678,328, A>G on the plus strand (T>C on the coding strand, the complement: RDH11 is on the minus strand). VCF-style: chr14-67678328-A-G. GRCh37 (hg19) VCF-style: chr14-68145045-A-G.
Other names: c.740T>C, p.Ile247Thr (NM_001252650.2); short protein forms I247T, I317T.
Identifiers: ClinVar variation 2110016 (VCV002110016.4), dbSNP rs771704890, ClinGen allele CA7238259.

ClinVar aggregate classification (germline): Uncertain significance (1 of 4 stars; one submission).

Allele frequency attached by ClinVar (database versions not stated): gnomAD exomes below 0.00001; ExAC 0.00001.
gnomAD v4.1: 3 of 1,609,590 alleles (0.00019%); highest among the groups gnomAD compares: Middle Eastern, 0.017%; no homozygotes.

Submission:

Labcorp Genetics (formerly Invitae), Labcorp
Classification: Uncertain significance. Last evaluated: 2022-04-03. Review status: criteria provided, single submitter. Criteria: Invitae Variant Classification Sherloc (09022015). Collection method: clinical testing. Allele origin: germline.
Comment: This variant has not been reported in the literature in individuals affected with RDH11-related conditions. In summary, the available evidence is currently insufficient to determine the role of this variant in disease. Therefore, it has been classified as a Variant of Uncertain Significance. Algorithms developed to predict the effect of missense changes on protein structure and function output the following: SIFT: "Tolerated"; PolyPhen-2: "Benign"; Align-GVGD: "Class C0". The threonine amino acid residue is found in multiple mammalian species, which suggests that this missense change does not adversely affect protein function. This variant is present in population databases (rs771704890, gnomAD 0.0009%). This sequence change replaces isoleucine, which is neutral and non-polar, with threonine, which is neutral and polar, at codon 317 of the RDH11 protein (p.Ile317Thr).